The following is an entry in ClinVar:

ClinVar aggregate classification (germline): Uncertain significance (1 of 4 stars; one submission).

Conditions:
Cardiomyopathy (CMYO). Also called: Cardiomyopathies. Identifiers: Orphanet 167848, MedGen C0878544, MONDO:0004994, HP:0001638. Inheritance: Various modes of inheritance.

Submission:

Color Diagnostics, LLC DBA Color Health
Classification: Uncertain significance for Cardiomyopathy. Last evaluated: 2019-12-09. Review status: criteria provided, single submitter. Criteria: ACMG Guidelines, 2015. Collection method: clinical testing. Allele origin: germline.
Comment: This missense variant replaces leucine with isoleucine at codon 1977 of the RYR2 protein. Computational prediction suggests that this variant may not impact protein structure and function (internally defined REVEL score threshold <= 0.5, PMID: 27666373). Splice site prediction tools suggest that this variant may not impact RNA splicing. To our knowledge, functional studies have not been performed for this variant. This variant has not been reported in individuals affected with cardiovascular disorders in the literature. This variant has not been identified in the general population by the Genome Aggregation Database (gnomAD). The available evidence is insufficient to determine the role of this variant in disease conclusively. Therefore, this variant is classified as a Variant of Uncertain Significance.

NM_001035.3(RYR2):c.5929C>A (p.Leu1977Ile)

Gene: RYR2 (ryanodine receptor 2; plus strand). Cytogenetic location: 1q43.
Variant type: single nucleotide variant.
Coding change: c.5929C>A on transcript NM_001035.3 (MANE Select); coding-DNA position 5929, C replaced by A.
Protein change: p.Leu1977Ile; replaces leucine 1977 with isoleucine.
Molecular consequence: missense variant.
Genome position (GRCh38, 1-based): chr1:237,623,777, C>A. VCF-style: chr1-237623777-C-A. GRCh37 (hg19) VCF-style: chr1-237787077-C-A.
Other names: short protein forms L1977I.
Identifiers: ClinVar variation 926317 (VCV000926317.3), dbSNP rs1679353556, ClinGen allele CA345408101.